The following is an entry in ClinVar:

ClinVar aggregate classification (germline): Benign/Likely benign. Review status: criteria provided, multiple submitters, no conflicts (2 of 4 stars). 4 submissions from 4 submitters: Benign (1); Likely benign (3). Last evaluated 2026-02-04.

Conditions:
Cardiovascular phenotype. Identifiers: MedGen CN230736.
ALPK3-related disorder. Also called: ALPK3-related condition.

Allele frequency attached by ClinVar (database versions not stated): gnomAD exomes 0.00006 and 0.00009; gnomAD 0.00010 and 0.00012; TOPMed 0.00011; 1000 Genomes Project 30x 0.00016; ESP Exome Variant Server 0.00016; ExAC 0.00019; 1000 Genomes Project 0.00020.
gnomAD v4.1: 102 of 1,607,058 alleles (0.0063%); highest among the groups gnomAD compares: South Asian, 0.032%; 1 homozygote.

Submissions (4):

Labcorp Genetics (formerly Invitae), Labcorp
Classification: Benign. Last evaluated: 2026-02-04. Review status: criteria provided, single submitter. Criteria: Invitae Variant Classification Sherloc (09022015). Collection method: clinical testing. Allele origin: germline.

PreventionGenetics, part of Exact Sciences
Classification: Likely benign for ALPK3-related condition. Last evaluated: 2025-12-18. Review status: criteria provided, single submitter. Criteria: ACMG Guidelines, 2015. Collection method: clinical testing. Allele origin: germline.
Comment: This variant is classified as likely benign based on ACMG/AMP sequence variant interpretation guidelines (Richards et al. 2015 PMID: 25741868, with internal and published modifications).

GeneDx
Classification: Likely benign. Last evaluated: 2019-07-08. Review status: criteria provided, single submitter. Criteria: GeneDx Variant Classification Process June 2021. Collection method: clinical testing. Allele origin: germline. Affected: yes.

Ambry Genetics
Classification: Likely benign for Cardiovascular phenotype. Last evaluated: 2019-06-01. Review status: criteria provided, single submitter. Criteria: Ambry Variant Classification Scheme 2023. Collection method: clinical testing. Allele origin: germline.

NM_020778.5(ALPK3):c.3231C>T (p.Asp1077=)

Gene: ALPK3 (alpha kinase 3; plus strand). Cytogenetic location: 15q25.3.
Variant type: single nucleotide variant.
Coding change: c.3231C>T on transcript NM_020778.5 (MANE Select); coding-DNA position 3231, C replaced by T.
Protein change: p.Asp1077=; no amino-acid change (aspartic acid 1077 retained).
Molecular consequence: synonymous variant.
Genome position (GRCh38, 1-based): chr15:84,857,969, C>T. VCF-style: chr15-84857969-C-T. GRCh37 (hg19) VCF-style: chr15-85401200-C-T.
Identifiers: ClinVar variation 1200257 (VCV001200257.14), dbSNP rs142001827, ClinGen allele CA7709582.